The following is an entry in ClinVar:

ClinVar aggregate classification (germline): Uncertain significance. Review status: criteria provided, multiple submitters, no conflicts (2 of 4 stars). 3 submissions from 3 submitters: Uncertain significance (3). Last evaluated 2022-12-19.

Conditions:
Inborn genetic diseases. Identifiers: MedGen C0950123, MeSH D030342.

Allele frequency attached by ClinVar (database versions not stated): gnomAD 0.00006 and 0.00009; TOPMed 0.00008; ExAC 0.00009; gnomAD exomes 0.00015; 1000 Genomes Project 0.00040; 1000 Genomes Project 30x 0.00047.
gnomAD v4.1: 65 of 1,613,682 alleles (0.004%); highest among the groups gnomAD compares: East Asian, 0.11%; 1 homozygote.

Submissions (4):

Ambry Genetics
Classification: Uncertain significance for Inborn genetic diseases. Last evaluated: 2022-12-19. Review status: criteria provided, single submitter. Criteria: Ambry Variant Classification Scheme 2023. Collection method: clinical testing. Allele origin: germline.

Labcorp Genetics (formerly Invitae), Labcorp
Classification: Uncertain significance. Last evaluated: 2022-06-13. Review status: criteria provided, single submitter. Criteria: Invitae Variant Classification Sherloc (09022015). Collection method: clinical testing. Allele origin: germline.
Comment: In summary, the available evidence is currently insufficient to determine the role of this variant in disease. Therefore, it has been classified as a Variant of Uncertain Significance. Algorithms developed to predict the effect of missense changes on protein structure and function are either unavailable or do not agree on the potential impact of this missense change (SIFT: "Deleterious"; PolyPhen-2: "Probably Damaging"; Align-GVGD: "Class C0"). ClinVar contains an entry for this variant (Variation ID: 128711). This variant has not been reported in the literature in individuals affected with CEP63-related conditions. This variant is present in population databases (rs200994552, gnomAD 0.2%). This sequence change replaces glutamic acid, which is acidic and polar, with valine, which is neutral and non-polar, at codon 2 of the CEP63 protein (p.Glu2Val).

Genetic Services Laboratory, University of Chicago
Classification: Uncertain significance. Last evaluated: 2013-12-06. Review status: criteria provided, single submitter. Criteria: ACMG Guidelines, 2007. Collection method: clinical testing. Allele origin: germline. Inheritance: Autosomal recessive inheritance.

Dr. Peter K. Rogan Lab, Western University
No classification provided (evidence only). Condition: Gastric cancer. Review status: no classification provided. Collection method: in vitro. Allele origin: not applicable. Functional consequence: retained intron. Not counted in ClinVar's aggregate classification.

NM_001353108.3(CEP63):c.5A>T (p.Glu2Val)

Gene: CEP63 (centrosomal protein 63; plus strand). Cytogenetic location: 3q22.2.
Variant type: single nucleotide variant.
Coding change: c.5A>T on transcript NM_001353108.3 (MANE Select); coding-DNA position 5, A replaced by T.
Protein change: p.Glu2Val; replaces glutamic acid 2 with valine.
Molecular consequence: missense variant. On other transcripts: synonymous variant (1), 5 prime UTR variant (2), non-coding transcript variant (4).
Genome position (GRCh38, 1-based): chr3:134,495,325, A>T. VCF-style: chr3-134495325-A-T. GRCh37 (hg19) VCF-style: chr3-134214167-A-T.
Other names: c.5A>T, p.Glu2Val (NM_001042383.2, NM_001042384.2, NM_001042400.3 and 13 more transcripts); c.36A>T, p.Gly12= (NM_001353118.1); c.-76A>T (NM_001353125.2); c.-377A>T (NM_001353126.2); short protein forms E2V.
Identifiers: ClinVar variation 128711 (VCV000128711.16), dbSNP rs200994552, ClinGen allele CA231014.